The following is an entry in ClinVar:

NM_033409.4(SLC52A3):c.457G>A (p.Ala153Thr)

Gene: SLC52A3 (solute carrier family 52 member 3; minus strand). Cytogenetic location: 20p13.
Variant type: single nucleotide variant.
Coding change: c.457G>A on transcript NM_033409.4 (MANE Select); coding-DNA position 457, G replaced by A.
Protein change: p.Ala153Thr; replaces alanine 153 with threonine.
Molecular consequence: missense variant.
Genome position (GRCh38, 1-based): chr20:765,318, C>T on the plus strand (G>A on the coding strand, the complement: SLC52A3 is on the minus strand). VCF-style: chr20-765318-C-T. GRCh37 (hg19) VCF-style: chr20-745962-C-T.
Other names: c.457G>A, p.Ala153Thr (NM_001370085.1, NM_001370086.1); short protein forms A153T.
Identifiers: ClinVar variation 855840 (VCV000855840.6), dbSNP rs767174206, ClinGen allele CA407963795.
Genomic context (GRCh38, chr20:765,318, plus strand): 5'-ATATCTCAGTGACATTGACGCAGGTAGTGAGACCGGAGCCCTGGGCAAGAGCCACCAGGG[C>T]GGGCAAGAGGCCGCTGAGTCCTTCACCCACAAAGAAGGTGGTGAGGTAGTAGGTGGGCAG-3'
Protein context (NP_212134.3, residues 143-163): VGEGLSGLLP[Ala153Thr]LVALAQGSGL

ClinVar aggregate classification (germline): Uncertain significance. Review status: criteria provided, multiple submitters, no conflicts (2 of 4 stars). 2 submissions from 2 submitters: Uncertain significance (2). Last evaluated 2026-09-16.

Conditions:
Brown-Vialetto-van Laere syndrome 1. Also called: BROWN-VIALETTO-VAN LAERE SYNDROME 1, MILD; BULBAR PALSY, PROGRESSIVE, WITH SENSORINEURAL DEAFNESS; PONTOBULBAR PALSY WITH DEAFNESS. Identifiers: Orphanet 572550, Orphanet 97229, MedGen C0796274, MONDO:0024537, OMIM 211530.
SLC52A3-related disorder. Also called: SLC52A3-related condition.

Allele frequency attached by ClinVar (database versions not stated): gnomAD exomes 0.00003; TOPMed 0.00002; gnomAD 0.00003.

Submissions (2):

PreventionGenetics, part of Exact Sciences
Classification: Uncertain significance for SLC52A3-related condition. Last evaluated: 2026-09-16. Review status: criteria provided, single submitter. Criteria: ACMG Guidelines, 2015. Collection method: clinical testing. Allele origin: germline.
Comment: The SLC52A3 c.457G>A variant is predicted to result in the amino acid substitution p.Ala153Thr. To our knowledge, this variant has not been reported in the literature. This variant is reported in 0.017% of alleles in individuals of Latino descent in gnomAD. At this time, the clinical significance of this variant is uncertain due to the absence of conclusive functional and genetic evidence.

Labcorp Genetics (formerly Invitae), Labcorp
Classification: Uncertain significance for Brown-Vialetto-van Laere syndrome 1. Last evaluated: 2021-11-18. Review status: criteria provided, single submitter. Criteria: Invitae Variant Classification Sherloc (09022015). Collection method: clinical testing. Allele origin: germline.
Comment: This sequence change replaces alanine, which is neutral and non-polar, with threonine, which is neutral and polar, at codon 153 of the SLC52A3 protein (p.Ala153Thr). This variant is present in population databases (no rsID available, gnomAD 0.01%). This variant has not been reported in the literature in individuals affected with SLC52A3-related conditions. ClinVar contains an entry for this variant (Variation ID: 855840). Algorithms developed to predict the effect of missense changes on protein structure and function are either unavailable or do not agree on the potential impact of this missense change (SIFT: "Deleterious"; PolyPhen-2: "Possibly Damaging"; Align-GVGD: "Class C0"). In summary, the available evidence is currently insufficient to determine the role of this variant in disease. Therefore, it has been classified as a Variant of Uncertain Significance.